The following is an entry in ClinVar:

ClinVar aggregate classification (germline): Uncertain significance (1 of 4 stars; one submission).

Conditions:
Hereditary cancer-predisposing syndrome. Also called: Tumor predisposition; Neoplastic Syndromes, Hereditary; Hereditary neoplastic syndrome; Hereditary Cancer Syndrome. Identifiers: Orphanet 140162, MedGen C0027672, MeSH D009386, MONDO:0015356.

Submission:

Ambry Genetics
Classification: Uncertain significance for Hereditary cancer-predisposing syndrome. Last evaluated: 2025-08-27. Review status: criteria provided, single submitter. Criteria: Ambry Variant Classification Scheme 2023. Collection method: clinical testing. Allele origin: germline.
Comment: The p.T352A variant (also known as c.1054A>G), located in coding exon 12 of the MUTYH gene, results from an A to G substitution at nucleotide position 1054. The threonine at codon 352 is replaced by alanine, an amino acid with similar properties. This amino acid position is conserved. In addition, this alteration is predicted to be tolerated by in silico analysis. Based on the available evidence, the clinical significance of this variant remains unclear.

NM_001048174.2(MUTYH):c.970A>G (p.Thr324Ala)

Gene: MUTYH (mutY DNA glycosylase; minus strand). Cytogenetic location: 1p34.1.
Variant type: single nucleotide variant.
Coding change: c.970A>G on transcript NM_001048174.2 (MANE Select); coding-DNA position 970, A replaced by G.
Protein change: p.Thr324Ala; replaces threonine 324 with alanine.
Molecular consequence: missense variant. On other transcripts: non-coding transcript variant (7).
Genome position (GRCh38, 1-based): chr1:45,331,793, T>C on the plus strand (A>G on the coding strand, the complement: MUTYH is on the minus strand). VCF-style: chr1-45331793-T-C. GRCh37 (hg19) VCF-style: chr1-45797465-T-C.
Other names: c.970A>G, p.Thr324Ala (NM_001293195.2, NM_001407070.1, NM_001407072.1 and 6 more transcripts); c.694A>G, p.Thr232Ala (NM_001293196.2, NM_001407091.1, NM_001293192.2); c.625A>G, p.Thr209Ala (NM_001350650.2, NM_001350651.2, NM_001407082.1); c.1003A>G, p.Thr335Ala (NM_001407069.1, NM_001293191.2, NM_001407077.1); c.973A>G, p.Thr325Ala (NM_001407071.1, NM_001048172.2, NM_001407078.1 and 1 more transcripts); c.991A>G, p.Thr331Ala (NM_001407087.1); c.1045A>G, p.Thr349Ala (NM_012222.3); c.1054A>G, p.Thr352Ala (NM_001128425.2); and 5 more; short protein forms T209A, T296A, T324A, T349A, T352A, T310A, T325A, T338A.
Identifiers: ClinVar variation 4112968 (VCV004112968.1).